The following is an entry in ClinVar:

NM_001040142.2(SCN2A):c.790C>A (p.Leu264Ile)

Gene: SCN2A (sodium voltage-gated channel alpha subunit 2; plus strand). Cytogenetic location: 2q24.3.
Variant type: single nucleotide variant.
Coding change: c.790C>A on transcript NM_001040142.2 (MANE Select); coding-DNA position 790, C replaced by A.
Protein change: p.Leu264Ile; replaces leucine 264 with isoleucine.
Molecular consequence: missense variant.
Genome position (GRCh38, 1-based): chr2:165,310,415, C>A. VCF-style: chr2-165310415-C-A. GRCh37 (hg19) VCF-style: chr2-166166925-C-A.
Other names: c.790C>A, p.Leu264Ile (NM_001040143.2, NM_001371246.1, NM_001371247.1 and 1 more transcripts); short protein forms L264I.
Identifiers: ClinVar variation 4999151 (VCV004999151.1).

ClinVar aggregate classification (germline): Uncertain significance (1 of 4 stars; one submission).

Conditions:
SCN2A-related disorder. Also called: SCN2A-related condition; SCN2A-related disorders. Identifiers: MedGen CN382226, MONDO:1060245.

Submission:

PreventionGenetics, part of Exact Sciences
Classification: Uncertain significance for SCN2A-related condition. Last evaluated: 2024-11-18. Review status: criteria provided, single submitter. Criteria: ACMG Guidelines, 2015. Collection method: clinical testing. Allele origin: germline.
Comment: The SCN2A c.790C>A variant is predicted to result in the amino acid substitution p.Leu264Ile. To our knowledge, this variant has not been reported in the literature or in a large population database (gnomAD), indicating this variant is rare. Although we suspect that this variant may be pathogenic, at this time, the clinical significance of this variant is uncertain due to the absence of conclusive functional and genetic evidence.